The following is an entry in ClinVar:

NM_001242896.3(DEPDC5):c.413+5A>G

Gene: DEPDC5 (DEP domain containing 5, GATOR1 subcomplex subunit; plus strand). Cytogenetic location: 22q12.2.
Variant type: single nucleotide variant.
Coding change: c.413+5A>G on transcript NM_001242896.3 (MANE Select); 5 bases into the intron after coding-DNA position 413, A replaced by G.
Molecular consequence: intron variant.
Genome position (GRCh38, 1-based): chr22:31,768,868, A>G. VCF-style: chr22-31768868-A-G. GRCh37 (hg19) VCF-style: chr22-32164854-A-G.
Other names: c.413+5A>G (NM_001364318.2, NM_001136029.4, NM_014662.6 and 7 more transcripts); c.329+5A>G (NM_001369902.1, NM_001369901.1).
Identifiers: ClinVar variation 2902754 (VCV002902754.3), dbSNP rs773427300, ClinGen allele CA10195949.
Genomic context (GRCh38, chr22:31,768,868, plus strand): 5'-TCTTAGGTCAGCACATGTGCCTATATCACCCAGAAGGTGGAGTTTGCTGGCATCAGGTAG[A>G]TATTACATCACTCTTGCCTTATCTGTGCAGTAACTGGGCTACATAAAGCAGTGGAGGCGT-3'

ClinVar aggregate classification (germline): Uncertain significance (1 of 4 stars; one submission).

Conditions:
Familial focal epilepsy with variable foci (FPEVF). Identifiers: Orphanet 98820, MedGen C1858477, MONDO:0020310.

Allele frequency attached by ClinVar (database versions not stated): gnomAD 0.00002; ExAC 0.00002; TOPMed 0.00002.
gnomAD v4.1: 3 of 1,613,778 alleles (0.00019%); highest among the groups gnomAD compares: African/African-American, 0.004%; no homozygotes.

Submission:

Labcorp Genetics (formerly Invitae), Labcorp
Classification: Uncertain significance for Familial focal epilepsy with variable foci. Last evaluated: 2025-10-07. Review status: criteria provided, single submitter. Criteria: Invitae Variant Classification Sherloc (09022015). Collection method: clinical testing. Allele origin: germline.
Comment: This sequence change falls in intron 7 of the DEPDC5 gene. It does not directly change the encoded amino acid sequence of the DEPDC5 protein. It affects a nucleotide within the consensus splice site. This variant is present in population databases (rs773427300, gnomAD 0.01%). This variant has not been reported in the literature in individuals affected with DEPDC5-related conditions. ClinVar contains an entry for this variant (Variation ID: 2902754). Variants that disrupt the consensus splice site are a relatively common cause of aberrant splicing (PMID: 17576681, 9536098). Algorithms developed to predict the effect of sequence changes on RNA splicing suggest that this variant is not likely to affect RNA splicing. In summary, the available evidence is currently insufficient to determine the role of this variant in disease. Therefore, it has been classified as a Variant of Uncertain Significance.

Literature cited by the submitters: PubMed 17576681; PubMed 9536098.